The following is an entry in ClinVar:

NM_002878.4(RAD51D):c.903+53C>T

Genes: RAD51L3-RFFL (RAD51L3-RFFL readthrough; minus strand), RAD51D (RAD51 paralog D; minus strand). Cytogenetic location: 17q12.
Variant type: single nucleotide variant.
Coding change: c.903+53C>T on transcript NM_002878.4 (MANE Select); 53 bases into the intron after coding-DNA position 903, C replaced by T.
Molecular consequence: intron variant.
Genome position (GRCh38, 1-based): chr17:35,101,148, G>A on the plus strand (C>T on the coding strand, the complement: RAD51D is on the minus strand). VCF-style: chr17-35101148-G-A. GRCh37 (hg19) VCF-style: chr17-33428167-G-A.
Other names: c.567+53C>T (NM_133629.3); c.963+53C>T (NM_001142571.2).
Identifiers: ClinVar variation 676537 (VCV000676537.5), dbSNP rs45496096, ClinGen allele CA14448376.

ClinVar aggregate classification (germline): Likely benign. Review status: criteria provided, multiple submitters, no conflicts (2 of 4 stars). 4 submissions from 4 submitters: Likely benign (2). 2 of the submissions do not count toward it. Last evaluated 2018-06-18.

Allele frequency attached by ClinVar (database versions not stated): 1000 Genomes Project 30x 0.00390; 1000 Genomes Project 0.00419; TOPMed 0.01121; gnomAD 0.01186 and 0.01225; gnomAD exomes 0.01807.
gnomAD v4.1: 28,116 of 1,613,746 alleles (1.7%); highest among the groups gnomAD compares: Non-Finnish European, 2.1%; 280 homozygotes.

Submissions (4):

GeneDx
Classification: Likely benign. Last evaluated: 2018-06-18. Review status: criteria provided, single submitter. Criteria: GeneDx Variant Classification (06012015). Collection method: clinical testing. Allele origin: germline. Affected: yes.
Comment: This variant is considered likely benign or benign based on one or more of the following criteria: it is a conservative change, it occurs at a poorly conserved position in the protein, it is predicted to be benign by multiple in silico algorithms, and/or has population frequency not consistent with disease.

Breakthrough Genomics
Classification: Likely benign. Review status: criteria provided, single submitter. Criteria: ACMG Guidelines, 2015. Collection method: not provided. Allele origin: germline. Inheritance: Unknown mechanism. Affected: yes.

Clinical Genetics Laboratory, Department of Pathology, Netherlands Cancer Institute
Classification: Benign. Review status: no assertion criteria provided. Collection method: clinical testing. Allele origin: germline. Affected: yes. Study: VKGL Data-share Consensus. Not counted in ClinVar's aggregate classification.

Joint Genome Diagnostic Labs from Nijmegen and Maastricht, Radboudumc and MUMC+
Classification: Benign. Review status: no assertion criteria provided. Collection method: clinical testing. Allele origin: germline. Affected: yes. Study: VKGL Data-share Consensus. Not counted in ClinVar's aggregate classification.